The following is an entry in ClinVar:

NM_002693.3(POLG):c.1090G>A (p.Val364Ile)

Gene: POLG (DNA polymerase gamma, catalytic subunit; minus strand). Cytogenetic location: 15q26.1.
Variant type: single nucleotide variant.
Coding change: c.1090G>A on transcript NM_002693.3 (MANE Select); coding-DNA position 1090, G replaced by A.
Protein change: p.Val364Ile; replaces valine 364 with isoleucine.
Molecular consequence: missense variant.
Genome position (GRCh38, 1-based): chr15:89,328,765, C>T on the plus strand (G>A on the coding strand, the complement: POLG is on the minus strand). VCF-style: chr15-89328765-C-T. GRCh37 (hg19) VCF-style: chr15-89871996-C-T.
Other names: c.1090G>A, p.Val364Ile (NM_001126131.2); short protein forms V364I.
Identifiers: ClinVar variation 1358864 (VCV001358864.7), dbSNP rs2055556252, ClinGen allele CA393764933.

ClinVar aggregate classification (germline): Uncertain significance (1 of 4 stars; one submission).

Conditions:
Progressive sclerosing poliodystrophy (MTDPS4A). Also called: NEURONAL DEGENERATION OF CHILDHOOD WITH LIVER DISEASE, PROGRESSIVE; Alpers Syndrome; ALPERS DIFFUSE DEGENERATION OF CEREBRAL GRAY MATTER WITH HEPATIC CIRRHOSIS; Alpers-Huttenlocher Syndrome; Mitochondrial DNA depletion syndrome 4A (Alpers type); Mitochondrial DNA Depletion Syndrome 4A. Identifiers: Orphanet 726, MedGen C0205710, MONDO:0008758, OMIM 203700.

Allele frequency attached by ClinVar (database versions not stated): gnomAD exomes below 0.00001; TOPMed below 0.00001; gnomAD 0.00001.
gnomAD v4.1: 4 of 1,614,040 alleles (0.00025%); highest among the groups gnomAD compares: Non-Finnish European, 0.00034%; no homozygotes.

Submission:

Labcorp Genetics (formerly Invitae), Labcorp
Classification: Uncertain significance for Progressive sclerosing poliodystrophy. Last evaluated: 2024-05-09. Review status: criteria provided, single submitter. Criteria: Invitae Variant Classification Sherloc (09022015). Collection method: clinical testing. Allele origin: germline.
Comment: This sequence change replaces valine, which is neutral and non-polar, with isoleucine, which is neutral and non-polar, at codon 364 of the POLG protein (p.Val364Ile). This variant is not present in population databases (gnomAD no frequency). This variant has not been reported in the literature in individuals affected with POLG-related conditions. ClinVar contains an entry for this variant (Variation ID: 1358864). Advanced modeling of protein sequence and biophysical properties (such as structural, functional, and spatial information, amino acid conservation, physicochemical variation, residue mobility, and thermodynamic stability) has been performed at Invitae for this missense variant, however the output from this modeling did not meet the statistical confidence thresholds required to predict the impact of this variant on POLG protein function. In summary, the available evidence is currently insufficient to determine the role of this variant in disease. Therefore, it has been classified as a Variant of Uncertain Significance.